The following is an entry in ClinVar:

NM_001385745.1(ZNF384):c.519C>T (p.Thr173=)

Gene: ZNF384 (zinc finger protein 384; minus strand). Cytogenetic location: 12p13.31.
Variant type: single nucleotide variant.
Coding change: c.519C>T on transcript NM_001385745.1 (MANE Select); coding-DNA position 519, C replaced by T.
Protein change: p.Thr173=; no amino-acid change (threonine 173 retained).
Molecular consequence: synonymous variant. On other transcripts: non-coding transcript variant (5).
Genome position (GRCh38, 1-based): chr12:6,678,294, G>A on the plus strand (C>T on the coding strand, the complement: ZNF384 is on the minus strand). VCF-style: chr12-6678294-G-A. GRCh37 (hg19) VCF-style: chr12-6787460-G-A.
Other names: c.471C>T, p.Thr157= (NM_001385793.1, NM_001385794.1, NM_001385795.1 and 18 more transcripts); c.402C>T, p.Thr134= (NM_001385796.1); c.375C>T, p.Thr125= (NM_001385797.1); c.354C>T, p.Thr118= (NM_001385798.1, NM_001385799.1, NM_001385800.1 and 3 more transcripts); c.519C>T, p.Thr173= (NM_133476.5, NM_001135734.3, NM_001385739.1 and 33 more transcripts).
Identifiers: ClinVar variation 2642633 (VCV002642633.24), dbSNP rs751265233, ClinGen allele CA232405141.

ClinVar aggregate classification (germline): Likely benign (1 of 4 stars; one submission).

Submission:

CeGaT Center for Human Genetics Tuebingen
Classification: Likely benign. Last evaluated: 2023-03-01. Review status: criteria provided, single submitter. Criteria: CeGaT Center For Human Genetics Tuebingen Variant Classification Criteria Version 2. Collection method: clinical testing. Allele origin: germline. Affected: yes. Observed: 1 variant allele.
Comment: ZNF384: BP4, BP7